The following is an entry in ClinVar:

NM_001123385.2(BCOR):c.1500A>C (p.Glu500Asp)

Genes: BCOR (BCL6 corepressor; minus strand), LOC126863239 (MED14-independent group 3 enhancer GRCh37_chrX:39932994-39934193; plus strand). Cytogenetic location: Xp11.4.
Variant type: single nucleotide variant.
Coding change: c.1500A>C on transcript NM_001123385.2 (MANE Select); coding-DNA position 1500, A replaced by C.
Protein change: p.Glu500Asp; replaces glutamic acid 500 with aspartic acid.
Molecular consequence: missense variant.
Genome position (GRCh38, 1-based): chrX:40,073,846, T>G on the plus strand (A>C on the coding strand, the complement: BCOR is on the minus strand). VCF-style: chrX-40073846-T-G. GRCh37 (hg19) VCF-style: chrX-39933099-T-G.
Other names: c.1500A>C, p.Glu500Asp (NM_001123383.2, NM_001123384.2, NM_017745.6); short protein forms E500D.
Identifiers: ClinVar variation 3727637 (VCV003727637.2).

ClinVar aggregate classification (germline): Uncertain significance (1 of 4 stars; one submission).

Conditions:
Oculofaciocardiodental syndrome (MCOPS2). Identifiers: Orphanet 2712, MedGen C1846265, MONDO:0010261, OMIM 300166.

Submission:

Labcorp Genetics (formerly Invitae), Labcorp
Classification: Uncertain significance for Oculofaciocardiodental syndrome. Last evaluated: 2024-12-19. Review status: criteria provided, single submitter. Criteria: Invitae Variant Classification Sherloc (09022015). Collection method: clinical testing. Allele origin: germline.
Comment: This sequence change replaces glutamic acid, which is acidic and polar, with aspartic acid, which is acidic and polar, at codon 500 of the BCOR protein (p.Glu500Asp). This variant is not present in population databases (gnomAD no frequency). This variant has not been reported in the literature in individuals affected with BCOR-related conditions. An algorithm developed to predict the effect of missense changes on protein structure and function (PolyPhen-2) suggests that this variant is likely to be tolerated. In summary, the available evidence is currently insufficient to determine the role of this variant in disease. Therefore, it has been classified as a Variant of Uncertain Significance.